The following is an entry in ClinVar:

ClinVar aggregate classification (germline): Conflicting classifications of pathogenicity. Review status: criteria provided, conflicting classifications (1 of 4 stars). 3 submissions from 3 submitters: Pathogenic (1); Likely pathogenic (1); Uncertain significance (1). Last evaluated 2024-10-13.

Conditions:
Thrombophilia due to protein S deficiency, autosomal recessive (THPH6). Identifiers: Orphanet 743, MedGen C3281092, MONDO:0013791, OMIM 614514. Disease mechanism: loss of function.
PROS1-related disorder. Also called: PROS1-related condition.
Thrombophilia due to protein S deficiency, autosomal dominant (THPH5). Identifiers: Orphanet 26349, Orphanet 743, MedGen C3278211, MONDO:0012868, OMIM 612336. Disease mechanism: loss of function.

Allele frequency attached by ClinVar (database versions not stated): gnomAD 0.00001; TOPMed 0.00002.
gnomAD v4.1: 16 of 1,613,970 alleles (0.00099%); highest among the groups gnomAD compares: Admixed American, 0.0033%; no homozygotes.

Submissions (3):

Labcorp Genetics (formerly Invitae), Labcorp
Classification: Uncertain significance for Thrombophilia due to protein S deficiency, autosomal recessive. Last evaluated: 2024-10-13. Review status: criteria provided, single submitter. Criteria: Invitae Variant Classification Sherloc (09022015). Collection method: clinical testing. Allele origin: germline.
Comment: This sequence change replaces arginine, which is basic and polar, with histidine, which is basic and polar, at codon 41 of the PROS1 protein (p.Arg41His). This variant is present in population databases (no rsID available, gnomAD 0.003%). This missense change has been observed in individuals with clinical features of Protein S deficiency disease (PMID: 7803790, 22261441, 30669159). This variant is also known as codon -1 CGT>CAT. Invitae Evidence Modeling of protein sequence and biophysical properties (such as structural, functional, and spatial information, amino acid conservation, physicochemical variation, residue mobility, and thermodynamic stability) indicates that this missense variant is expected to disrupt PROS1 protein function with a positive predictive value of 80%. In summary, the available evidence is currently insufficient to determine the role of this variant in disease. Therefore, it has been classified as a Variant of Uncertain Significance.

MVZ Martinsried, Medicover Genetics
Classification: Pathogenic for Thrombophilia due to protein S deficiency, autosomal dominant. Last evaluated: 2023-11-23. Review status: criteria provided, single submitter. Criteria: ACGS Guidelines, 2020. Collection method: clinical testing. Allele origin: unknown. Affected: yes.

Blueprint Genetics
Classification: Likely pathogenic for PROS1-related disorders. Last evaluated: 2022-12-20. Review status: criteria provided, single submitter. Criteria: ACMG Guidelines, 2015. Collection method: clinical testing. Allele origin: germline. Affected: yes. Observed: 1 variant allele.

Literature cited by the submitters: PubMed 7803790 (cited by Labcorp Genetics (formerly Invitae), Labcorp); PubMed 22261441 (cited by Labcorp Genetics (formerly Invitae), Labcorp); PubMed 30669159 (cited by Labcorp Genetics (formerly Invitae), Labcorp).

NM_000313.4(PROS1):c.122G>A (p.Arg41His)

Gene: PROS1 (protein S; minus strand). Cytogenetic location: 3q11.1.
Variant type: single nucleotide variant.
Coding change: c.122G>A on transcript NM_000313.4 (MANE Select); coding-DNA position 122, G replaced by A.
Protein change: p.Arg41His; replaces arginine 41 with histidine.
Molecular consequence: missense variant.
Genome position (GRCh38, 1-based): chr3:93,927,362, C>T on the plus strand (G>A on the coding strand, the complement: PROS1 is on the minus strand). VCF-style: chr3-93927362-C-T. GRCh37 (hg19) VCF-style: chr3-93646206-C-T.
Other names: c.218G>A, p.Arg73His (NM_001314077.2); short protein forms R41H, R73H.
Identifiers: ClinVar variation 2683979 (VCV002683979.5), dbSNP rs963668412, ClinGen allele CA78505726.